The following is an entry in ClinVar:

ClinVar aggregate classification (germline): Uncertain significance (1 of 4 stars; one submission).

gnomAD v4.1: 4 of 1,613,720 alleles (0.00025%); highest among the groups gnomAD compares: Non-Finnish European, 0.00034%; no homozygotes.

Submission:

GeneDx
Classification: Uncertain significance. Last evaluated: 2024-02-13. Review status: criteria provided, single submitter. Criteria: GeneDx Variant Classification Process June 2021. Collection method: clinical testing. Allele origin: germline. Affected: yes.
Comment: Not observed at significant frequency in large population cohorts (gnomAD); In silico analysis supports that this missense variant does not alter protein structure/function; This substitution is predicted to be within the transmembrane segment S6 of the first homologous domain; Has not been previously published as pathogenic or benign to our knowledge

NM_001040142.2(SCN2A):c.1207A>G (p.Ile403Val)

Gene: SCN2A (sodium voltage-gated channel alpha subunit 2; plus strand). Cytogenetic location: 2q24.3.
Variant type: single nucleotide variant.
Coding change: c.1207A>G on transcript NM_001040142.2 (MANE Select); coding-DNA position 1207, A replaced by G.
Protein change: p.Ile403Val; replaces isoleucine 403 with valine.
Molecular consequence: missense variant.
Genome position (GRCh38, 1-based): chr2:165,313,932, A>G. VCF-style: chr2-165313932-A-G. GRCh37 (hg19) VCF-style: chr2-166170442-A-G.
Other names: c.1207A>G, p.Ile403Val (NM_001040143.2, NM_001371246.1, NM_001371247.1 and 1 more transcripts); short protein forms I403V.
Identifiers: ClinVar variation 3369068 (VCV003369068.1).